The following is an entry in ClinVar:

NM_015102.5(NPHP4):c.1126T>G (p.Ser376Ala)

Gene: NPHP4 (nephrocystin 4; minus strand). Cytogenetic location: 1p36.31.
Variant type: single nucleotide variant.
Coding change: c.1126T>G on transcript NM_015102.5 (MANE Select); coding-DNA position 1126, T replaced by G.
Protein change: p.Ser376Ala; replaces serine 376 with alanine.
Molecular consequence: missense variant. On other transcripts: 5 prime UTR variant (2), non-coding transcript variant (1).
Genome position (GRCh38, 1-based): chr1:5,933,323, A>C on the plus strand (T>G on the coding strand, the complement: NPHP4 is on the minus strand). VCF-style: chr1-5933323-A-C. GRCh37 (hg19) VCF-style: chr1-5993383-A-C.
Other names: c.-241T>G (NM_001291593.2, NM_001291594.2); short protein forms S376A.
Identifiers: ClinVar variation 844126 (VCV000844126.11), dbSNP rs199561679, ClinGen allele CA554616.

ClinVar aggregate classification (germline): Uncertain significance. Review status: criteria provided, multiple submitters, no conflicts (2 of 4 stars). 6 submissions from 5 submitters: Uncertain significance (6). Last evaluated 2026-09-24.

Conditions:
Inborn genetic diseases. Identifiers: MedGen C0950123, MeSH D030342.
Nephronophthisis 4 (NPHP4). Also called: NEPHRONOPHTHISIS 4, JUVENILE. Identifiers: Orphanet 655, MedGen C1847013, MONDO:0011752, OMIM 606966.
Senior-Loken syndrome 4 (SLSN4). Identifiers: Orphanet 3156, MedGen C1846979, MONDO:0011756, OMIM 606996.
NPHP4-related disorder. Also called: NPHP4-related condition; NPHP4-related disorders. Identifiers: MedGen CN239384.
Nephronophthisis. Also called: Juvenile Nephronophthisis. Identifiers: Orphanet 655, MedGen C0687120, MONDO:0019005, HP:0000090.

Allele frequency attached by ClinVar (database versions not stated): gnomAD 0.00009 and 0.00010; TOPMed 0.00010; ExAC 0.00014; gnomAD exomes 0.00014 and 0.00016; ESP Exome Variant Server 0.00016.
gnomAD v4.1: 251 of 1,612,284 alleles (0.016%); highest among the groups gnomAD compares: Non-Finnish European, 0.02%; no homozygotes.

Submissions (6):

PreventionGenetics, part of Exact Sciences
Classification: Uncertain significance for NPHP4-related condition. Last evaluated: 2026-09-24. Review status: criteria provided, single submitter. Criteria: ACMG Guidelines, 2015. Collection method: clinical testing. Allele origin: germline.
Comment: The NPHP4 c.1126T>G variant is predicted to result in the amino acid substitution p.Ser376Ala. To our knowledge, this variant has not been reported in the literature. This variant is reported in 0.025% of alleles in individuals of European (Non-Finnish) descent in gnomAD. At this time, the clinical significance of this variant is uncertain due to the absence of conclusive functional and genetic evidence.

Ambry Genetics
Classification: Uncertain significance for Inborn genetic diseases. Last evaluated: 2025-06-30. Review status: criteria provided, single submitter. Criteria: Ambry Variant Classification Scheme 2023. Collection method: clinical testing. Allele origin: germline.

Labcorp Genetics (formerly Invitae), Labcorp
Classification: Uncertain significance for Nephronophthisis. Last evaluated: 2022-08-16. Review status: criteria provided, single submitter. Criteria: Invitae Variant Classification Sherloc (09022015). Collection method: clinical testing. Allele origin: germline.
Comment: This sequence change replaces serine, which is neutral and polar, with alanine, which is neutral and non-polar, at codon 376 of the NPHP4 protein (p.Ser376Ala). This variant is present in population databases (rs199561679, gnomAD 0.03%). This variant has not been reported in the literature in individuals affected with NPHP4-related conditions. ClinVar contains an entry for this variant (Variation ID: 844126). Algorithms developed to predict the effect of missense changes on protein structure and function output the following: SIFT: "Tolerated"; PolyPhen-2: "Benign"; Align-GVGD: "Class C0". The alanine amino acid residue is found in multiple mammalian species, which suggests that this missense change does not adversely affect protein function. In summary, the available evidence is currently insufficient to determine the role of this variant in disease. Therefore, it has been classified as a Variant of Uncertain Significance.

Fulgent Genetics
Classification: Uncertain significance for Nephronophthisis 4; Senior-Loken syndrome 4. Last evaluated: 2022-03-31. Review status: criteria provided, single submitter. Criteria: ACMG Guidelines, 2015. Collection method: clinical testing. Allele origin: unknown.

Illumina Laboratory Services, Illumina
Classification: Uncertain significance for Nephronophthisis 4. Last evaluated: 2018-01-13. Review status: criteria provided, single submitter. Criteria: ICSL Variant Classification Criteria 13 December 2019. Collection method: clinical testing. Allele origin: germline.

Illumina Laboratory Services, Illumina
Classification: Uncertain significance for Senior-Loken syndrome 4. Last evaluated: 2018-01-13. Review status: criteria provided, single submitter. Criteria: ICSL Variant Classification Criteria 13 December 2019. Collection method: clinical testing. Allele origin: germline.